The following is an entry in ClinVar:

ClinVar aggregate classification (germline): Uncertain significance (1 of 4 stars; one submission).

gnomAD v4.1: 1 of 1,613,790 alleles (0.000062%); highest among the groups gnomAD compares: Non-Finnish European, 0.000085%; no homozygotes.

Submission:

GeneDx
Classification: Uncertain significance. Last evaluated: 2026-07-11. Review status: criteria provided, single submitter. Criteria: GeneDx Variant Classification Process June 2021. Collection method: clinical testing. Allele origin: germline.
Comment: Not observed at significant frequency in large population cohorts (gnomAD); In silico analysis suggests that this missense variant does not alter protein structure/function; Has not been previously published as pathogenic or benign to our knowledge

NM_001394062.1(MACF1):c.19909G>A (p.Val6637Ile)

Gene: MACF1 (microtubule actin crosslinking factor 1; plus strand). Cytogenetic location: 1p34.3.
Variant type: single nucleotide variant.
Coding change: c.19909G>A on transcript NM_001394062.1 (MANE Select); coding-DNA position 19909, G replaced by A.
Protein change: p.Val6637Ile; replaces valine 6637 with isoleucine.
Molecular consequence: missense variant.
Genome position (GRCh38, 1-based): chr1:39,447,839, G>A. VCF-style: chr1-39447839-G-A. GRCh37 (hg19) VCF-style: chr1-39913511-G-A.
Other names: c.7987G>A, p.Val2663Ile (NM_001397473.1); c.13732G>A, p.Val4578Ile (NM_012090.5); short protein forms V2663I, V4578I, V6637I.
Identifiers: ClinVar variation 3368835 (VCV003368835.2).